The following is an entry in ClinVar:

ClinVar aggregate classification (germline): Uncertain significance. Review status: criteria provided, multiple submitters, no conflicts (2 of 4 stars). 2 submissions from 2 submitters: Uncertain significance (2). Last evaluated 2025-08-27.

Conditions:
Inborn genetic diseases. Identifiers: MedGen C0950123, MeSH D030342.

Allele frequency attached by ClinVar (database versions not stated): gnomAD exomes below 0.00001 and 0.00001; ExAC 0.00002; TOPMed 0.00002; 1000 Genomes Project 30x 0.00016; 1000 Genomes Project 0.00020.
gnomAD v4.1: 4 of 1,614,190 alleles (0.00025%); highest among the groups gnomAD compares: African/African-American, 0.0053%; no homozygotes.

Submissions (2):

Ambry Genetics
Classification: Uncertain significance for Inborn genetic diseases. Last evaluated: 2025-08-27. Review status: criteria provided, single submitter. Criteria: Ambry Variant Classification Scheme 2023. Collection method: clinical testing. Allele origin: germline.

Labcorp Genetics (formerly Invitae), Labcorp
Classification: Uncertain significance. Last evaluated: 2021-09-03. Review status: criteria provided, single submitter. Criteria: Invitae Variant Classification Sherloc (09022015). Collection method: clinical testing. Allele origin: germline.
Comment: This sequence change replaces histidine with aspartic acid at codon 43 of the KCNJ6 protein (p.His43Asp). The histidine residue is weakly conserved and there is a moderate physicochemical difference between histidine and aspartic acid. This variant is present in population databases (rs199893641, ExAC 0.02%). This variant has not been reported in the literature in individuals affected with KCNJ6-related conditions. Algorithms developed to predict the effect of missense changes on protein structure and function (SIFT, PolyPhen-2, Align-GVGD) all suggest that this variant is likely to be tolerated. In summary, the available evidence is currently insufficient to determine the role of this variant in disease. Therefore, it has been classified as a Variant of Uncertain Significance.

NM_002240.5(KCNJ6):c.127C>G (p.His43Asp)

Genes: KCNJ6 (potassium inwardly rectifying channel subfamily J member 6; minus strand), KCNJ6-AS1 (KCNJ6 antisense RNA 1; plus strand). Cytogenetic location: 21q22.13.
Variant type: single nucleotide variant.
Coding change: c.127C>G on transcript NM_002240.5 (MANE Select); coding-DNA position 127, C replaced by G.
Protein change: p.His43Asp; replaces histidine 43 with aspartic acid.
Molecular consequence: missense variant.
Genome position (GRCh38, 1-based): chr21:37,715,030, G>C on the plus strand (C>G on the coding strand, the complement: KCNJ6 is on the minus strand). VCF-style: chr21-37715030-G-C. GRCh37 (hg19) VCF-style: chr21-39087333-G-C.
Other names: c.127C>G (NM_002240.2); short protein forms H43D.
Identifiers: ClinVar variation 1522657 (VCV001522657.7), dbSNP rs199893641, ClinGen allele CA10024352.